The following is an entry in ClinVar:

ClinVar aggregate classification (germline): Uncertain significance (1 of 4 stars; one submission).

Conditions:
Inborn genetic diseases. Identifiers: MedGen C0950123, MeSH D030342.

Submission:

Ambry Genetics
Classification: Uncertain significance for Inborn genetic diseases. Last evaluated: 2025-01-02. Review status: criteria provided, single submitter. Criteria: Ambry Variant Classification Scheme 2023. Collection method: clinical testing. Allele origin: germline.
Comment: The p.V282L variant (also known as c.844G>T), located in coding exon 9 of the RTEL1 gene, results from a G to T substitution at nucleotide position 844. The valine at codon 282 is replaced by leucine, an amino acid with highly similar properties. This amino acid position is conserved. In addition, this alteration is predicted to be tolerated by in silico analysis. Based on the available evidence, the clinical significance of this variant remains unclear.

NM_001283009.2(RTEL1):c.844G>T (p.Val282Leu)

Genes: RTEL1 (regulator of telomere elongation helicase 1; plus strand), RTEL1-TNFRSF6B (RTEL1-TNFRSF6B readthrough (NMD candidate); plus strand). Cytogenetic location: 20q13.33.
Variant type: single nucleotide variant.
Coding change: c.844G>T on transcript NM_001283009.2 (MANE Select); coding-DNA position 844, G replaced by T.
Protein change: p.Val282Leu; replaces valine 282 with leucine.
Molecular consequence: missense variant. On other transcripts: non-coding transcript variant (1).
Genome position (GRCh38, 1-based): chr20:63,674,018, G>T. VCF-style: chr20-63674018-G-T. GRCh37 (hg19) VCF-style: chr20-62305371-G-T.
Other names: c.175G>T, p.Val59Leu (NM_001283010.1); c.844G>T, p.Val282Leu (NM_016434.4); c.916G>T, p.Val306Leu (NM_032957.5); short protein forms V282L, V59L, V306L.
Identifiers: ClinVar variation 3791016 (VCV003791016.1).